The following is an entry in ClinVar:

NM_001966.4(EHHADH):c.1835G>A (p.Arg612His)

Gene: EHHADH (enoyl-CoA hydratase and 3-hydroxyacyl CoA dehydrogenase; minus strand). Cytogenetic location: 3q27.2.
Variant type: single nucleotide variant.
Coding change: c.1835G>A on transcript NM_001966.4 (MANE Select); coding-DNA position 1835, G replaced by A.
Protein change: p.Arg612His; replaces arginine 612 with histidine.
Molecular consequence: missense variant.
Genome position (GRCh38, 1-based): chr3:185,192,563, C>T on the plus strand (G>A on the coding strand, the complement: EHHADH is on the minus strand). VCF-style: chr3-185192563-C-T. GRCh37 (hg19) VCF-style: chr3-184910351-C-T.
Other names: c.1547G>A, p.Arg516His (NM_001166415.2); short protein forms R612H, R516H.
Identifiers: ClinVar variation 4985176 (VCV004985176.1).
Genomic context (GRCh38, chr3:185,192,563, plus strand): 5'-AATGCTTCATTGATAAGTGAATATAAGCAGCGTTCAAGGATCTCATCCTGGCTAATGGTA[C>T]GTGGTTCAATGTGATGGGTTTTTCTATACCGTGATAGGAATTTGGAAAGCCAGGGATCAG-3'
Protein context (NP_001957.2, residues 602-622): RYRKTHHIEP[Arg612His]TISQDEILER

ClinVar aggregate classification (germline): Uncertain significance (1 of 4 stars; one submission).

Conditions:
EHHADH-related disorder. Also called: EHHADH-related condition.

Submission:

PreventionGenetics, part of Exact Sciences
Classification: Uncertain significance for EHHADH-related condition. Last evaluated: 2025-12-19. Review status: criteria provided, single submitter. Criteria: ACMG Guidelines, 2015. Collection method: clinical testing. Allele origin: germline.
Comment: The EHHADH c.1835G>A variant is predicted to result in the amino acid substitution p.Arg612His. To our knowledge, this variant has not been reported in the literature. This variant is reported in 0.0040% of alleles in individuals of African descent in gnomAD. At this time, the clinical significance of this variant is uncertain due to the absence of conclusive functional and genetic evidence.